The following is an entry in ClinVar:

NM_003872.3(NRP2):c.1809G>T (p.Thr603=)

Gene: NRP2 (neuropilin 2; plus strand). Cytogenetic location: 2q33.3.
Variant type: single nucleotide variant.
Coding change: c.1809G>T on transcript NM_003872.3 (MANE Select); coding-DNA position 1809, G replaced by T.
Protein change: p.Thr603=; no amino-acid change (threonine 603 retained).
Molecular consequence: synonymous variant.
Genome position (GRCh38, 1-based): chr2:205,749,747, G>T. VCF-style: chr2-205749747-G-T. GRCh37 (hg19) VCF-style: chr2-206614471-G-T.
Other names: c.1809G>T, p.Thr603= (NM_018534.4, NM_201266.2, NM_201267.2 and 1 more transcripts).
Identifiers: ClinVar variation 4979934 (VCV004979934.1).

ClinVar aggregate classification (germline): Likely benign (1 of 4 stars; one submission).

Conditions:
NRP2-related disorder. Also called: NRP2-related condition.

gnomAD v4.1: 14 of 1,613,966 alleles (0.00087%); highest among the groups gnomAD compares: Non-Finnish European, 0.0011%; no homozygotes.

Submission:

PreventionGenetics, part of Exact Sciences
Classification: Likely benign for NRP2-related condition. Last evaluated: 2026-06-04. Review status: criteria provided, single submitter. Criteria: ACMG Guidelines, 2015. Collection method: clinical testing. Allele origin: germline.
Comment: This variant is classified as likely benign based on ACMG/AMP sequence variant interpretation guidelines (Richards et al. 2015 PMID: 25741868, with internal and published modifications).